The following is an entry in ClinVar:

NM_000059.4(BRCA2):c.5809_5812del (p.Ser1937fs)

Gene: BRCA2 (BRCA2 DNA repair associated; plus strand). Cytogenetic location: 13q13.1.
Variant type: Deletion.
Coding change: c.5809_5812del on transcript NM_000059.4 (MANE Select); coding-DNA positions 5809 to 5812, 4 bases deleted (TCTG; older notation c.5809_5812delTCTG).
Protein change: p.Ser1937fs; shifts the reading frame from serine 1937.
Molecular consequence: frameshift variant.
Genome position (GRCh38, 1-based): chr13:32,340,164-32,340,167, TCTG deleted; deleting any 4 consecutive bases within chr13:32,340,162-32,340,167 gives the same sequence; the c. name uses the placement nearest the transcript's 3' end. VCF-style (leftmost placement, unchanged base first): chr13-32340161-ATGTC-A. GRCh37 (hg19) VCF-style: chr13-32914298-ATGTC-A.
Other names: 6037del4; c.5809_5812delTCTG (NM_000059.3); short protein forms S1937fs.
Identifiers: ClinVar variation 266896 (VCV000266896.14), dbSNP rs886040611, ClinGen allele CA10589330.

ClinVar aggregate classification (germline): Pathogenic. Review status: reviewed by expert panel (3 of 4 stars). 4 submissions from 4 submitters: Pathogenic (1). 3 of the submissions do not count toward it. Last evaluated 2016-10-18.

Conditions:
Breast-ovarian cancer, familial, susceptibility to, 2 (BROVCA2). Also called: BRCA2 Hereditary Breast and Ovarian Cancer. Identifiers: Orphanet 145, MedGen C2675520, MONDO:0012933, OMIM 612555. Disease mechanism: loss of function.
Hereditary breast ovarian cancer syndrome. Also called: BRCA1- and BRCA2-Associated Hereditary Breast and Ovarian Cancer; Hereditary breast and ovarian cancer; Breast and ovarian cancer; Hereditary breast and/or ovarian cancer syndrome; Hereditary breast and ovarian cancer syndrome; Hereditary breast and ovarian cancer syndrome (HBOC). Identifiers: Orphanet 145, MedGen C0677776, MeSH D061325, MONDO:0003582. Disease mechanism: loss of function.
Hereditary cancer-predisposing syndrome. Also called: Hereditary neoplastic syndrome; Neoplastic Syndromes, Hereditary; Tumor predisposition; Hereditary Cancer Syndrome. Identifiers: Orphanet 140162, MedGen C0027672, MeSH D009386, MONDO:0015356.

Submissions (4):

Evidence-based Network for the Interpretation of Germline Mutant Alleles (ENIGMA)
Classification: Pathogenic for Breast-ovarian cancer, familial, susceptibility to, 2. Last evaluated: 2016-10-18. Review status: reviewed by expert panel. Criteria: ENIGMA BRCA1/2 Classification Criteria (2015). Collection method: curation. Allele origin: germline.
Comment: Variant allele predicted to encode a truncated non-functional protein.

Ambry Genetics
Classification: Pathogenic for Hereditary cancer-predisposing syndrome. Last evaluated: 2025-09-09. Review status: criteria provided, single submitter. Criteria: Ambry Variant Classification Scheme 2023. Collection method: clinical testing. Allele origin: germline. Not counted in ClinVar's aggregate classification.
Comment: The c.5809_5812delTCTG pathogenic mutation, located in coding exon 10 of the BRCA2 gene, results from a deletion of 4 nucleotides at nucleotide positions 5809 to 5812, causing a translational frameshift with a predicted alternate stop codon (p.S1937Dfs*25). This variant is considered to be rare based on population cohorts in the Genome Aggregation Database (gnomAD). This alteration is expected to result in loss of function by premature protein truncation or nonsense-mediated mRNA decay. As such, this alteration is interpreted as a disease-causing mutation.

Labcorp Genetics (formerly Invitae), Labcorp
Classification: Pathogenic for Hereditary breast ovarian cancer syndrome. Last evaluated: 2021-07-22. Review status: criteria provided, single submitter. Criteria: Invitae Variant Classification Sherloc (09022015). Collection method: clinical testing. Allele origin: germline. Not counted in ClinVar's aggregate classification.
Comment: For these reasons, this variant has been classified as Pathogenic. Loss-of-function variants in BRCA2 are known to be pathogenic (PMID: 20104584). This variant has been observed in several individuals with increasing risk of breast and ovarian cancers (PMID: 29446198). ClinVar contains an entry for this variant (Variation ID: 266896). This variant is not present in population databases (ExAC no frequency). This sequence change creates a premature translational stop signal (p.Ser1937Aspfs*25) in the BRCA2 gene. It is expected to result in an absent or disrupted protein product.

Consortium of Investigators of Modifiers of BRCA1/2 (CIMBA), c/o University of Cambridge
Classification: Pathogenic for Breast-ovarian cancer, familial, susceptibility to, 2. Last evaluated: 2015-10-02. Review status: criteria provided, single submitter. Criteria: CIMBA Mutation Classification guidelines May 2016. Collection method: clinical testing. Allele origin: germline. Not counted in ClinVar's aggregate classification.

Literature cited by the submitters: PubMed 20104584 (cited by Labcorp Genetics (formerly Invitae), Labcorp); PubMed 29446198 (cited by Labcorp Genetics (formerly Invitae), Labcorp).